The following is an entry in ClinVar:

NM_015662.3(IFT172):c.5160+6A>G

Genes: IFT172 (intraflagellar transport 172; minus strand), KRTCAP3 (keratinocyte associated protein 3; plus strand). Cytogenetic location: 2p23.3.
Variant type: single nucleotide variant.
Coding change: c.5160+6A>G on transcript NM_015662.3 (MANE Select); 6 bases into the intron after coding-DNA position 5160, A replaced by G.
Molecular consequence: intron variant.
Genome position (GRCh38, 1-based): chr2:27,445,008, T>C on the plus strand (A>G on the coding strand, the complement: IFT172 is on the minus strand). VCF-style: chr2-27445008-T-C. GRCh37 (hg19) VCF-style: chr2-27667875-T-C.
Other names: c.*5+947T>C (NM_001168364.2); c.5094+6A>G (NM_001410739.1).
Identifiers: ClinVar variation 1350543 (VCV001350543.7), dbSNP rs2148464534, ClinGen allele CA2573134433.

ClinVar aggregate classification (germline): Uncertain significance (1 of 4 stars; one submission).

Conditions:
Short-rib thoracic dysplasia 10 with or without polydactyly (SRTD10). Identifiers: Orphanet 474, MedGen C3810175, MONDO:0014284, OMIM 615630.
Retinitis pigmentosa 71 (RP71). Identifiers: Orphanet 791, MedGen C4225342, MONDO:0014618, OMIM 616394.

Submission:

Labcorp Genetics (formerly Invitae), Labcorp
Classification: Uncertain significance for Retinitis pigmentosa 71; Short-rib thoracic dysplasia 10 with or without polydactyly. Last evaluated: 2022-05-05. Review status: criteria provided, single submitter. Criteria: Invitae Variant Classification Sherloc (09022015). Collection method: clinical testing. Allele origin: germline.
Comment: Variants that disrupt the consensus splice site are a relatively common cause of aberrant splicing (PMID: 17576681, 9536098). Algorithms developed to predict the effect of sequence changes on RNA splicing suggest that this variant is not likely to affect RNA splicing. In summary, the available evidence is currently insufficient to determine the role of this variant in disease. Therefore, it has been classified as a Variant of Uncertain Significance. This variant has not been reported in the literature in individuals affected with IFT172-related conditions. This variant is not present in population databases (gnomAD no frequency). This sequence change falls in intron 47 of the IFT172 gene. It does not directly change the encoded amino acid sequence of the IFT172 protein. It affects a nucleotide within the consensus splice site.

Literature cited by the submitters: PubMed 17576681; PubMed 9536098.